The following is an entry in ClinVar:

NM_000399.5(EGR2):c.770G>A (p.Arg257Gln)

Gene: EGR2 (early growth response 2; minus strand). Cytogenetic location: 10q21.3.
Variant type: single nucleotide variant.
Coding change: c.770G>A on transcript NM_000399.5 (MANE Select); coding-DNA position 770, G replaced by A.
Protein change: p.Arg257Gln; replaces arginine 257 with glutamine.
Molecular consequence: missense variant.
Genome position (GRCh38, 1-based): chr10:62,813,868, C>T on the plus strand (G>A on the coding strand, the complement: EGR2 is on the minus strand). VCF-style: chr10-62813868-C-T. GRCh37 (hg19) VCF-style: chr10-64573628-C-T.
Other names: c.770G>A, p.Arg257Gln (NM_001136177.3, NM_001136178.2); c.620G>A, p.Arg207Gln (NM_001136179.3, NM_001321037.2); short protein forms R257Q, R207Q.
Identifiers: ClinVar variation 1476279 (VCV001476279.7), dbSNP rs780441708, ClinGen allele CA5517230.

ClinVar aggregate classification (germline): Uncertain significance. Review status: criteria provided, multiple submitters, no conflicts (2 of 4 stars). 2 submissions from 2 submitters: Uncertain significance (2). Last evaluated 2024-05-15.

Conditions:
Charcot-Marie-Tooth disease, type I (CMT1). Also called: Charcot-Marie-Tooth disease type 1; Charcot-Marie-Tooth, Type 1. Identifiers: Orphanet 65753, MedGen C0751036, MONDO:0019011.
Charcot-Marie-Tooth disease type 1D. Also called: HEREDITARY MOTOR AND SENSORY NEUROPATHY 1D; HMSN ID; Charcot-Marie-Tooth disease, demyelinating, type 1d; CHARCOT-MARIE-TOOTH NEUROPATHY, TYPE 1D. Identifiers: Orphanet 101084, MedGen C1843247, MONDO:0011890, OMIM 607678.
Dejerine-Sottas disease. Also called: Charcot-Marie-Tooth disease type 3; HEREDITARY MOTOR AND SENSORY NEUROPATHY TYPE III; DEJERINE-SOTTAS NEUROPATHY; HMSN Type III; Hereditary motor and sensory neuropathy 3. Identifiers: Orphanet 64748, MedGen C0011195, MONDO:0007790, OMIM 145900.
Charcot-Marie-Tooth disease type 4E (CHN1). Also called: Congenital hypomyelinating neuropathy 1, autosomal recessive; HYPOMYELINATION, SEVERE CONGENITAL; Hypomyelinating neuropathy, congenital, 1; Congenital Hypomyelination; CHARCOT-MARIE-TOOTH DISEASE, DEMYELINATING, TYPE 4E. Identifiers: Orphanet 99951, MedGen C4721436, MONDO:0011527, OMIM 605253.

Allele frequency attached by ClinVar (database versions not stated): gnomAD exomes below 0.00001; ExAC 0.00001.
gnomAD v4.1: 2 of 1,614,122 alleles (0.00012%); highest among the groups gnomAD compares: South Asian, 0.0011%; no homozygotes.

Submissions (2):

Fulgent Genetics
Classification: Uncertain significance for Dejerine-Sottas disease; Charcot-Marie-Tooth disease type 4E; Charcot-Marie-Tooth disease type 1D. Last evaluated: 2024-05-15. Review status: criteria provided, single submitter. Criteria: ACMG Guidelines, 2015. Collection method: clinical testing. Allele origin: germline.

Labcorp Genetics (formerly Invitae), Labcorp
Classification: Uncertain significance for Charcot-Marie-Tooth disease, type I. Last evaluated: 2021-01-08. Review status: criteria provided, single submitter. Criteria: Invitae Variant Classification Sherloc (09022015). Collection method: clinical testing. Allele origin: germline.
Comment: In summary, the available evidence is currently insufficient to determine the role of this variant in disease. Therefore, it has been classified as a Variant of Uncertain Significance. Algorithms developed to predict the effect of missense changes on protein structure and function are either unavailable or do not agree on the potential impact of this missense change (SIFT: "Not Available"; PolyPhen-2: "Possibly Damaging"; Align-GVGD: "Not Available"). This variant has not been reported in the literature in individuals with EGR2-related conditions. This variant is present in population databases (rs780441708, ExAC 0.002%). This sequence change replaces arginine with glutamine at codon 257 of the EGR2 protein (p.Arg257Gln). The arginine residue is highly conserved and there is a small physicochemical difference between arginine and glutamine.